The following is an entry in ClinVar:

ClinVar aggregate classification (germline): Benign. Review status: criteria provided, multiple submitters, no conflicts (2 of 4 stars). 11 submissions from 11 submitters: Benign (11). Last evaluated 2026-02-04.

Conditions:
Exostoses, multiple, type 1 (EXT1). Also called: EXOSTOSES, MULTIPLE, TYPE I; Hereditary Multiple Osteochondromatosis, Type I. Identifiers: MedGen CN263289, MONDO:0007585, OMIM 133700.
Multiple congenital exostosis (EXT). Also called: Multiple exostoses; Hereditary multiple osteochondromas; MULTIPLE CARTILAGINOUS EXOSTOSES; Hereditary multiple exostoses; Hereditary multiple exostosis; Multiple osteochondromas. Identifiers: Orphanet 321, MedGen C0015306, MONDO:0005508, HP:0002762.

Allele frequency attached by ClinVar (database versions not stated): 1000 Genomes Project 0.17392; 1000 Genomes Project 30x 0.17676; gnomAD 0.23565 and 0.23625; TOPMed 0.23702; ESP Exome Variant Server 0.24604; ExAC 0.25958; gnomAD exomes 0.26376 and 0.28137.
gnomAD v4.1: 445,944 of 1,610,886 alleles (28%); highest among the groups gnomAD compares: Middle Eastern, 33%; 64,666 homozygotes.

Submissions (11):

Labcorp Genetics (formerly Invitae), Labcorp
Classification: Benign for Multiple congenital exostosis. Last evaluated: 2026-02-04. Review status: criteria provided, single submitter. Criteria: Invitae Variant Classification Sherloc (09022015). Collection method: clinical testing. Allele origin: germline.

Blueprint Genetics
Classification: Benign. Last evaluated: 2024-11-27. Review status: criteria provided, single submitter. Criteria: ACMG Guidelines, 2015. Collection method: clinical testing. Allele origin: germline.

KCCC/NGS Laboratory, Kuwait Cancer Control Center
Classification: Benign for Exostoses, multiple, type 1. Last evaluated: 2023-07-07. Review status: criteria provided, single submitter. Criteria: ACMG Guidelines, 2015. Collection method: clinical testing. Allele origin: germline. Affected: yes.

Mayo Clinic Laboratories, Mayo Clinic
Classification: Benign. Last evaluated: 2022-03-03. Review status: criteria provided, single submitter. Criteria: ACMG Guidelines, 2015. Collection method: clinical testing. Allele origin: germline. Observed: 153 variant alleles.

Genome-Nilou Lab
Classification: Benign for Exostoses, multiple, type 1. Last evaluated: 2021-08-10. Review status: criteria provided, single submitter. Criteria: ACMG Guidelines, 2015. Collection method: clinical testing. Allele origin: germline. Affected: no.

Mendelics
Classification: Benign for Exostoses, multiple, type 1. Last evaluated: 2019-05-28. Review status: criteria provided, single submitter. Criteria: Mendelics Assertion Criteria 2017. Collection method: clinical testing. Allele origin: unknown.

Illumina Laboratory Services, Illumina
Classification: Benign for Exostoses, multiple, type 1. Last evaluated: 2018-01-13. Review status: criteria provided, single submitter. Criteria: ICSL Variant Classification Criteria 13 December 2019. Collection method: clinical testing. Allele origin: germline.
Comment: This variant was observed in the ICSL laboratory as part of a predisposition screen in an ostensibly healthy population. It had not been previously curated by ICSL or reported in the Human Gene Mutation Database (HGMD: prior to June 1st, 2018), and was therefore a candidate for classification through an automated scoring system. Utilizing variant allele frequency, disease prevalence and penetrance estimates, and inheritance mode, an automated score was calculated to assess if this variant is too frequent to cause the disease. Based on the score and internal cut-off values, a variant classified as benign is not then subjected to further curation. The score for this variant resulted in a classification of benign for this disease.

GeneDx
Classification: Benign. Last evaluated: 2015-03-03. Review status: criteria provided, single submitter. Criteria: GeneDx Variant Classification Process June 2021. Collection method: clinical testing. Allele origin: germline. Affected: yes.

Eurofins Ntd Llc (ga)
Classification: Benign. Last evaluated: 2014-12-05. Review status: criteria provided, single submitter. Criteria: EGL Classification Definitions 2015. Collection method: clinical testing. Allele origin: germline. Observed: 2 variant alleles, 2 heterozygotes.

Breakthrough Genomics
Classification: Benign. Review status: criteria provided, single submitter. Criteria: ACMG Guidelines, 2015. Collection method: not provided. Allele origin: germline. Inheritance: Autosomal dominant inheritance. Affected: yes.

PreventionGenetics, part of Exact Sciences
Classification: Benign. Review status: criteria provided, single submitter. Criteria: ACMG Guidelines, 2015. Collection method: clinical testing. Allele origin: germline.

NM_000127.3(EXT1):c.1065C>T (p.Cys355=)

Gene: EXT1 (exostosin glycosyltransferase 1; minus strand). Cytogenetic location: 8q24.11.
Variant type: single nucleotide variant.
Coding change: c.1065C>T on transcript NM_000127.3 (MANE Select); coding-DNA position 1065, C replaced by T.
Protein change: p.Cys355=; no amino-acid change (cysteine 355 retained).
Molecular consequence: synonymous variant.
Genome position (GRCh38, 1-based): chr8:117,835,543, G>A on the plus strand (C>T on the coding strand, the complement: EXT1 is on the minus strand). VCF-style: chr8-117835543-G-A. GRCh37 (hg19) VCF-style: chr8-118847782-G-A.
Other names: p.Cys355=.
Identifiers: ClinVar variation 196215 (VCV000196215.26), dbSNP rs11546829, ClinGen allele CA202210.